The following is an entry in ClinVar:

NM_030770.4(TMPRSS5):c.976G>T (p.Ala326Ser)

Genes: TMPRSS5 (transmembrane serine protease 5; minus strand), LOC126861343 (MED14-independent group 3 enhancer GRCh37_chr11:113560791-113561990; plus strand). Cytogenetic location: 11q23.2.
Variant type: single nucleotide variant.
Coding change: c.976G>T on transcript NM_030770.4 (MANE Select); coding-DNA position 976, G replaced by T.
Protein change: p.Ala326Ser; replaces alanine 326 with serine.
Molecular consequence: missense variant. On other transcripts: non-coding transcript variant (2).
Genome position (GRCh38, 1-based): chr11:113,690,928, C>A on the plus strand (G>T on the coding strand, the complement: TMPRSS5 is on the minus strand). VCF-style: chr11-113690928-C-A. GRCh37 (hg19) VCF-style: chr11-113561650-C-A.
Other names: c.637G>T, p.Ala213Ser (NM_001288749.2); c.844G>T, p.Ala282Ser (NM_001288750.2); c.949G>T, p.Ala317Ser (NM_001288751.2); c.769G>T, p.Ala257Ser (NM_001288752.2); short protein forms A326S, A317S, A213S, A257S, A282S.
Identifiers: ClinVar variation 508709 (VCV000508709.28), dbSNP rs117055692, ClinGen allele CA6281677.

ClinVar aggregate classification (germline): Benign/Likely benign. Review status: criteria provided, multiple submitters, no conflicts (2 of 4 stars). 4 submissions from 4 submitters: Benign (2); Likely benign (2). Last evaluated 2025-08-18.

Allele frequency attached by ClinVar (database versions not stated): ESP Exome Variant Server 0.00112; gnomAD 0.00115; TOPMed 0.00119; 1000 Genomes Project 0.00140; 1000 Genomes Project 30x 0.00156; ExAC 0.00301.
gnomAD v4.1: 2,369 of 1,587,408 alleles (0.15%); highest among the groups gnomAD compares: Middle Eastern, 0.63%; 7 homozygotes.

Submissions (4):

Genomic Medicine Center of Excellence, King Faisal Specialist Hospital and Research Centre
Classification: Likely benign. Last evaluated: 2025-08-18. Review status: criteria provided, single submitter. Criteria: ACMG Guidelines, 2015. Collection method: clinical testing. Allele origin: germline.

CeGaT Center for Human Genetics Tuebingen
Classification: Likely benign. Last evaluated: 2023-05-01. Review status: criteria provided, single submitter. Criteria: CeGaT Center For Human Genetics Tuebingen Variant Classification Criteria Version 2. Collection method: clinical testing. Allele origin: germline. Affected: yes. Observed: 1 variant allele.
Comment: TMPRSS5: BP4, BS2

GeneDx
Classification: Benign. Last evaluated: 2018-12-05. Review status: criteria provided, single submitter. Criteria: GeneDx Variant Classification Process June 2021. Collection method: clinical testing. Allele origin: germline. Affected: yes.

Breakthrough Genomics
Classification: Benign. Review status: criteria provided, single submitter. Criteria: ACMG Guidelines, 2015. Collection method: not provided. Allele origin: germline. Inheritance: Unknown mechanism. Affected: yes.